The following is an entry in ClinVar:

NM_000112.4(SLC26A2):c.306C>G (p.Tyr102Ter)

Gene: SLC26A2 (solute carrier family 26 member 2; plus strand). Cytogenetic location: 5q32.
Variant type: single nucleotide variant.
Coding change: c.306C>G on transcript NM_000112.4 (MANE Select); coding-DNA position 306, C replaced by G.
Protein change: p.Tyr102Ter; replaces tyrosine 102 with a stop codon.
Molecular consequence: nonsense.
Genome position (GRCh38, 1-based): chr5:149,977,958, C>G. VCF-style: chr5-149977958-C-G. GRCh37 (hg19) VCF-style: chr5-149357521-C-G.
Other names: c.306C>G (NM_000112.3); short protein forms Y102*.
Identifiers: ClinVar variation 1683435 (VCV001683435.6), dbSNP rs768809642, ClinGen allele CA361704710.

ClinVar aggregate classification (germline): Pathogenic/Likely pathogenic. Review status: criteria provided, multiple submitters, no conflicts (2 of 4 stars). 3 submissions from 3 submitters: Pathogenic (1); Likely pathogenic (2). Last evaluated 2025-10-13.

Conditions:
Diastrophic dysplasia (DTD). Also called: Diastrophic dwarfism. Identifiers: Orphanet 628, MedGen C0220726, MONDO:0009107, OMIM 222600.
Achondrogenesis, type IB (ACG1B). Also called: Achondrogenesis Type 1B. Identifiers: Orphanet 932, Orphanet 93298, MedGen C0265274, MONDO:0010966, OMIM 600972.
Multiple epiphyseal dysplasia type 4 (EDM4). Also called: Multiple Epiphyseal Dysplasia, Recessive; MULTIPLE EPIPHYSEAL DYSPLASIA WITH BILAYERED PATELLAE; MULTIPLE EPIPHYSEAL DYSPLASIA WITH CLUBFOOT; MULTIPLE EPIPHYSEAL DYSPLASIA, AUTOSOMAL RECESSIVE; SLC26A2-Related Multiple Epiphyseal Dysplasia. Identifiers: Orphanet 93307, MedGen C1847593, MONDO:0009189, OMIM 226900.
Atelosteogenesis type II (AO2). Also called: SLC26A2-Related Atelosteogenesis; NEONATAL OSSEOUS DYSPLASIA I; Neonatal osseous dysplasia 1. Identifiers: Orphanet 56304, MedGen C1850554, MONDO:0009727, OMIM 256050.

Submissions (3):

Natera, Inc.
Classification: Likely pathogenic for Achondrogenesis type IB. Last evaluated: 2025-10-13. Review status: criteria provided, single submitter. Criteria: Natera Variant Classification Schema (03/2026). Collection method: clinical testing. Allele origin: germline.
Comment: The c.306C>G variant in SLC26A2 is a nonsense variant predicted to introduce a stop codon at amino acid 102. This variant is expected to result in nonsense mediated decay, truncation, or a dysfunctional protein product. This variant is rare in the general population with a frequency below the threshold expected for the associated phenotype(s). Given the available evidence, this variant is classified as Likely Pathogenic.

Labcorp Genetics (formerly Invitae), Labcorp
Classification: Pathogenic for Atelosteogenesis type II; Multiple epiphyseal dysplasia type 4; Achondrogenesis, type IB; Diastrophic dysplasia. Last evaluated: 2023-11-10. Review status: criteria provided, single submitter. Criteria: Invitae Variant Classification Sherloc (09022015). Collection method: clinical testing. Allele origin: germline.
Comment: This sequence change creates a premature translational stop signal (p.Tyr102*) in the SLC26A2 gene. It is expected to result in an absent or disrupted protein product. Loss-of-function variants in SLC26A2 are known to be pathogenic (PMID: 7923357, 10482955, 11241838). This variant is not present in population databases (gnomAD no frequency). This variant has not been reported in the literature in individuals affected with SLC26A2-related conditions. ClinVar contains an entry for this variant (Variation ID: 1683435). For these reasons, this variant has been classified as Pathogenic.

Laboratory of Inherited Metabolic Diseases, Research centre for medical genetics
Classification: Likely pathogenic for Diastrophic dysplasia. Last evaluated: 2022-04-01. Review status: criteria provided, single submitter. Criteria: ACMG Guidelines, 2015. Collection method: clinical testing. Allele origin: germline. Affected: yes. Observed: 1 variant allele.

Literature cited by the submitters: PubMed 7923357 (cited by Labcorp Genetics (formerly Invitae), Labcorp); PubMed 10482955 (cited by Labcorp Genetics (formerly Invitae), Labcorp); PubMed 11241838 (cited by Labcorp Genetics (formerly Invitae), Labcorp).